The following is an entry in ClinVar:

ClinVar aggregate classification (germline): Conflicting classifications of pathogenicity. Review status: criteria provided, conflicting classifications (1 of 4 stars). 3 submissions from 3 submitters: Uncertain significance (1); Benign (1); Likely benign (1). Last evaluated 2025-12-28.

Conditions:
Genitopatellar syndrome (GTPTS). Also called: ABSENT PATELLAE, SCROTAL HYPOPLASIA, RENAL ANOMALIES, FACIAL DYSMORPHISM, AND MENTAL RETARDATION; Genitopatellar syndrome (GPS). Identifiers: Orphanet 85201, MedGen C1853566, MONDO:0011640, OMIM 606170.

Allele frequency attached by ClinVar (database versions not stated): gnomAD 0.00001; ExAC 0.00002; gnomAD exomes 0.00003 and 0.00004; TOPMed 0.00003.
gnomAD v4.1: 48 of 1,614,116 alleles (0.003%); highest among the groups gnomAD compares: Admixed American, 0.01%; no homozygotes.

Submissions (3):

Women's Health and Genetics/Laboratory Corporation of America, LabCorp
Classification: Uncertain significance. Last evaluated: 2025-12-28. Review status: criteria provided, single submitter. Criteria: LabCorp Variant Classification Summary - May 2015. Collection method: clinical testing. Allele origin: germline.
Comment: Variant summary: KAT6B c.1367T>C (p.Ile456Thr) results in a non-conservative amino acid change in the encoded protein sequence. Algorithms developed to predict the effect of missense changes on protein structure and function are either unavailable or do not agree on the potential impact of this missense change. The variant allele was found at a frequency of 3.6e-05 in 251336 control chromosomes. The available data on variant occurrences in the general population are insufficient to allow any conclusion about variant significance. To our knowledge, no occurrence of c.1367T>C in individuals affected with KAT6B-related conditions and no experimental evidence demonstrating its impact on protein function have been reported. ClinVar contains an entry for this variant (Variation ID: 1320473). Based on the evidence outlined above, the variant was classified as uncertain significance.

Labcorp Genetics (formerly Invitae), Labcorp
Classification: Benign for Genitopatellar syndrome. Last evaluated: 2022-08-16. Review status: criteria provided, single submitter. Criteria: Invitae Variant Classification Sherloc (09022015). Collection method: clinical testing. Allele origin: germline.

GeneDx
Classification: Likely benign. Last evaluated: 2021-05-05. Review status: criteria provided, single submitter. Criteria: GeneDx Variant Classification Process June 2021. Collection method: clinical testing. Allele origin: germline. Affected: yes.

NM_012330.4(KAT6B):c.1367T>C (p.Ile456Thr)

Gene: KAT6B (lysine acetyltransferase 6B; plus strand). Cytogenetic location: 10q22.2.
Variant type: single nucleotide variant.
Coding change: c.1367T>C on transcript NM_012330.4 (MANE Select); coding-DNA position 1367, T replaced by C.
Protein change: p.Ile456Thr; replaces isoleucine 456 with threonine.
Molecular consequence: missense variant. On other transcripts: intron variant (11).
Genome position (GRCh38, 1-based): chr10:74,975,704, T>C. VCF-style: chr10-74975704-T-C. GRCh37 (hg19) VCF-style: chr10-76735462-T-C.
Other names: c.1367T>C, p.Ile456Thr (NM_001256468.2, NM_001370136.1, NM_001370137.1 and 1 more transcripts); c.1117+250T>C (NM_001370139.1, NM_001370140.1, NM_001370141.1 and 3 more transcripts); c.846+5929T>C (NM_001370133.1); c.193-3520T>C (NM_001370134.1); c.929-1612T>C (NM_001370143.1, NM_001370144.1); c.193-13315T>C (NM_001370135.1); short protein forms I456T.
Identifiers: ClinVar variation 1320473 (VCV001320473.10), dbSNP rs766318986, ClinGen allele CA5564392.